The following is an entry in ClinVar:

ClinVar aggregate classification (germline): Likely benign (1 of 4 stars; one submission).

Allele frequency attached by ClinVar (database versions not stated): TOPMed 0.00003; gnomAD 0.00004.

Submission:

GeneDx
Classification: Likely benign. Last evaluated: 2016-11-25. Review status: criteria provided, single submitter. Criteria: GeneDx Variant Classification (06012015). Collection method: clinical testing. Allele origin: germline. Affected: yes.
Comment: This variant is considered likely benign or benign based on one or more of the following criteria: it is a conservative change, it occurs at a poorly conserved position in the protein, it is predicted to be benign by multiple in silico algorithms, and/or has population frequency not consistent with disease.

NM_001031734.3(FDX2):c.-44C>T

Gene: FDX2 (ferredoxin 2; minus strand). Cytogenetic location: 19p13.2.
Variant type: single nucleotide variant.
Coding change: c.-44C>T on transcript NM_001031734.3; 44 bases upstream of the start codon, C replaced by T.
Genome position (GRCh38, 1-based): chr19:10,316,049, G>A on the plus strand (C>T on the coding strand, the complement: FDX2 is on the minus strand). VCF-style: chr19-10316049-G-A. GRCh37 (hg19) VCF-style: chr19-10426725-G-A.
Identifiers: ClinVar variation 391037 (VCV000391037.1), dbSNP rs746644117, ClinGen allele CA9191410.